The following is an entry in ClinVar:

NM_000441.2(SLC26A4):c.1590C>A (p.Tyr530Ter)

Gene: SLC26A4 (solute carrier family 26 member 4; plus strand). Cytogenetic location: 7q22.3.
Variant type: single nucleotide variant.
Coding change: c.1590C>A on transcript NM_000441.2 (MANE Select); coding-DNA position 1590, C replaced by A.
Protein change: p.Tyr530Ter; replaces tyrosine 530 with a stop codon.
Molecular consequence: nonsense.
Genome position (GRCh38, 1-based): chr7:107,698,087, C>A. VCF-style: chr7-107698087-C-A. GRCh37 (hg19) VCF-style: chr7-107338532-C-A.
Other names: short protein forms Y530*.
Identifiers: ClinVar variation 3671095 (VCV003671095.2).

ClinVar aggregate classification (germline): Pathogenic (1 of 4 stars; one submission).

Submission:

Labcorp Genetics (formerly Invitae), Labcorp
Classification: Pathogenic. Last evaluated: 2024-03-18. Review status: criteria provided, single submitter. Criteria: Invitae Variant Classification Sherloc (09022015). Collection method: clinical testing. Allele origin: germline.
Comment: This sequence change creates a premature translational stop signal (p.Tyr530*) in the SLC26A4 gene. It is expected to result in an absent or disrupted protein product. Loss-of-function variants in SLC26A4 are known to be pathogenic (PMID: 16283880, 25394566, 26252218, 26445815). This variant is not present in population databases (gnomAD no frequency). This premature translational stop signal has been observed in individual(s) with clinical features of SLC26A4-related conditions (PMID: 23918157). For these reasons, this variant has been classified as Pathogenic.

Literature cited by the submitters: PubMed 16283880; PubMed 25394566; PubMed 26252218; PubMed 26445815; PubMed 23918157.